The following is an entry in ClinVar:

NM_004655.4(AXIN2):c.1043C>T (p.Ser348Phe)

Gene: AXIN2 (axin 2; minus strand). Cytogenetic location: 17q24.1.
Variant type: single nucleotide variant.
Coding change: c.1043C>T on transcript NM_004655.4 (MANE Select); coding-DNA position 1043, C replaced by T.
Protein change: p.Ser348Phe; replaces serine 348 with phenylalanine.
Molecular consequence: missense variant.
Genome position (GRCh38, 1-based): chr17:65,541,471, G>A on the plus strand (C>T on the coding strand, the complement: AXIN2 is on the minus strand). VCF-style: chr17-65541471-G-A. GRCh37 (hg19) VCF-style: chr17-63537589-G-A.
Other names: c.1043C>T, p.Ser348Phe (NM_001363813.1); short protein forms S348F.
Identifiers: ClinVar variation 5032560 (VCV005032560.1).

ClinVar aggregate classification (germline): Uncertain significance (1 of 4 stars; one submission).

Conditions:
Hereditary cancer-predisposing syndrome. Also called: Neoplastic Syndromes, Hereditary; Tumor predisposition; Hereditary neoplastic syndrome; Hereditary Cancer Syndrome. Identifiers: Orphanet 140162, MedGen C0027672, MeSH D009386, MONDO:0015356.

Submission:

Ambry Genetics
Classification: Uncertain significance for Hereditary cancer-predisposing syndrome. Last evaluated: 2026-07-06. Review status: criteria provided, single submitter. Criteria: Ambry Variant Classification Scheme 2023. Collection method: clinical testing. Allele origin: germline.
Comment: The p.S348F variant (also known as c.1043C>T), located in coding exon 3 of the AXIN2 gene, results from a C to T substitution at nucleotide position 1043. The serine at codon 348 is replaced by phenylalanine, an amino acid with highly dissimilar properties. This amino acid position is conserved. In addition, the in silico prediction for this alteration is inconclusive. Based on the available evidence, the clinical significance of this variant remains unclear.